The following is an entry in ClinVar:

ClinVar aggregate classification (germline): Uncertain significance. Review status: criteria provided, multiple submitters, no conflicts (2 of 4 stars). 2 submissions from 2 submitters: Uncertain significance (2). Last evaluated 2023-05-02.

Conditions:
RASopathy. Also called: rasopathies; Noonan spectrum disorder. Identifiers: Orphanet 536391, MedGen C5555857, MONDO:0021060.

Allele frequency attached by ClinVar (database versions not stated): TOPMed below 0.00001.

Submissions (2):

Labcorp Genetics (formerly Invitae), Labcorp
Classification: Uncertain significance for RASopathy. Last evaluated: 2023-05-02. Review status: criteria provided, single submitter. Criteria: Invitae Variant Classification Sherloc (09022015). Collection method: clinical testing. Allele origin: germline.
Comment: In summary, the available evidence is currently insufficient to determine the role of this variant in disease. Therefore, it has been classified as a Variant of Uncertain Significance. This sequence change replaces glutamine, which is neutral and polar, with leucine, which is neutral and non-polar, at codon 218 of the MAP2K2 protein (p.Gln218Leu). This variant is not present in population databases (gnomAD no frequency). This variant has not been reported in the literature in individuals affected with MAP2K2-related conditions. Advanced modeling of protein sequence and biophysical properties (such as structural, functional, and spatial information, amino acid conservation, physicochemical variation, residue mobility, and thermodynamic stability) performed at Invitae indicates that this missense variant is not expected to disrupt MAP2K2 protein function.

GeneDx
Classification: Uncertain significance. Last evaluated: 2022-11-16. Review status: criteria provided, single submitter. Criteria: GeneDx Variant Classification Process June 2021. Collection method: clinical testing. Allele origin: germline. Affected: yes.
Comment: Not observed at significant frequency in large population cohorts (gnomAD); Missense variants in this gene are often considered pathogenic (HGMD); In silico analysis supports that this missense variant has a deleterious effect on protein structure/function; Has not been previously published as pathogenic or benign to our knowledge

NM_030662.4(MAP2K2):c.653A>T (p.Gln218Leu)

Gene: MAP2K2 (mitogen-activated protein kinase kinase 2; minus strand). Cytogenetic location: 19p13.3.
Variant type: single nucleotide variant.
Coding change: c.653A>T on transcript NM_030662.4 (MANE Select); coding-DNA position 653, A replaced by T.
Protein change: p.Gln218Leu; replaces glutamine 218 with leucine.
Molecular consequence: missense variant.
Genome position (GRCh38, 1-based): chr19:4,101,071, T>A on the plus strand (A>T on the coding strand, the complement: MAP2K2 is on the minus strand). VCF-style: chr19-4101071-T-A. GRCh37 (hg19) VCF-style: chr19-4101069-T-A.
Other names: short protein forms Q218L.
Identifiers: ClinVar variation 2502667 (VCV002502667.4), dbSNP rs1284367895, ClinGen allele CA403388508.
Genomic context (GRCh38, chr19:4,101,071, plus strand): 5'-GGACTCACAGCCATGTAGGAGCGCGTGCCCACGAAGGAGTTGGCCATGGAGTCGATGAGC[T>A]GGCCGCTCACCCCGAAGTCACACAGCTTGATCTCCCCTCTAGAGTTCACGAGGATGTTGG-3'
Protein context (NP_109587.1, residues 208-228): IKLCDFGVSG[Gln218Leu]LIDSMANSFV